The following is an entry in ClinVar:

NM_004826.4(ECEL1):c.955_956delinsAG (p.Gln319Arg)

Gene: ECEL1 (endothelin converting enzyme like 1; minus strand). Cytogenetic location: 2q37.1.
Variant type: Indel.
Coding change: c.955_956delinsAG on transcript NM_004826.4 (MANE Select); coding-DNA positions 955 to 956, CA replaced by AG.
Protein change: p.Gln319Arg; replaces glutamine 319 with arginine.
Molecular consequence: missense variant.
Genome position (GRCh38, 1-based): chr2:232,484,991-232,484,992, TG replaced by CT on the plus strand (CA replaced by AG on the coding strand, the reverse complement: ECEL1 is on the minus strand). VCF-style: chr2-232484991-TG-CT. GRCh37 (hg19) VCF-style: chr2-233349701-TG-CT.
Other names: c.955_956delinsAG, p.Gln319Arg (NM_001290787.2); short protein forms Q319R.
Identifiers: ClinVar variation 4999398 (VCV004999398.1).

ClinVar aggregate classification (germline): Uncertain significance (1 of 4 stars; one submission).

Conditions:
ECEL1-related disorder. Also called: ECEL1-related condition.

Submission:

PreventionGenetics, part of Exact Sciences
Classification: Uncertain significance for ECEL1-related condition. Last evaluated: 2025-07-31. Review status: criteria provided, single submitter. Criteria: ACMG Guidelines, 2015. Collection method: clinical testing. Allele origin: germline.
Comment: The ECEL1 c.955_956delinsAG variant is predicted to result in an in-frame deletion and insertion. To our knowledge, this variant has not been reported in the literature or in a large population database (gnomAD), indicating this variant is rare. At this time, the clinical significance of this variant is uncertain due to the absence of conclusive functional and genetic evidence.